The following is an entry in ClinVar:

NM_005245.4(FAT1):c.10757T>C (p.Met3586Thr)

Genes: FAT1 (FAT atypical cadherin 1; minus strand), LOC126807254 (BRD4-independent group 4 enhancer GRCh37_chr4:187524269-187525468; plus strand). Cytogenetic location: 4q35.2.
Variant type: single nucleotide variant.
Coding change: c.10757T>C on transcript NM_005245.4 (MANE Select); coding-DNA position 10757, T replaced by C.
Protein change: p.Met3586Thr; replaces methionine 3586 with threonine.
Molecular consequence: missense variant.
Genome position (GRCh38, 1-based): chr4:186,603,769, A>G on the plus strand (T>C on the coding strand, the complement: FAT1 is on the minus strand). VCF-style: chr4-186603769-A-G. GRCh37 (hg19) VCF-style: chr4-187524923-A-G.
Other names: short protein forms M3586T.
Identifiers: ClinVar variation 785111 (VCV000785111.16), dbSNP rs115705222, ClinGen allele CA3165278.

ClinVar aggregate classification (germline): Benign/Likely benign. Review status: criteria provided, multiple submitters, no conflicts (2 of 4 stars). 4 submissions from 4 submitters: Benign (1); Likely benign (2). 1 of the submissions does not count toward it. Last evaluated 2026-02-01.

Allele frequency attached by ClinVar (database versions not stated): gnomAD exomes 0.00082 and 0.00208; ExAC 0.00245; 1000 Genomes Project 0.00819; ESP Exome Variant Server 0.00827; gnomAD 0.00828 and 0.00904; 1000 Genomes Project 30x 0.00968; TOPMed 0.00981.
gnomAD v4.1: 2,486 of 1,613,956 alleles (0.15%); highest among the groups gnomAD compares: African/African-American, 3%; 47 homozygotes.

Submissions (4):

Labcorp Genetics (formerly Invitae), Labcorp
Classification: Benign. Last evaluated: 2026-02-01. Review status: criteria provided, single submitter. Criteria: Invitae Variant Classification Sherloc (09022015). Collection method: clinical testing. Allele origin: germline.

GeneDx
Classification: Likely benign. Last evaluated: 2023-05-25. Review status: criteria provided, single submitter. Criteria: GeneDx Variant Classification Process June 2021. Collection method: clinical testing. Allele origin: germline. Affected: yes.
Comment: See Variant Classification Assertion Criteria.

Breakthrough Genomics
Classification: Likely benign. Review status: criteria provided, single submitter. Criteria: ACMG Guidelines, 2015. Collection method: not provided. Allele origin: germline. Inheritance: Unknown mechanism. Affected: yes.

Department of Pathology and Laboratory Medicine, Sinai Health System
Classification: Likely benign. Review status: no assertion criteria provided. Collection method: clinical testing. Allele origin: unknown. Affected: yes. Study: The Canadian Open Genetics Repository (COGR). Not counted in ClinVar's aggregate classification.
Comment: The FAT1 p.Met3586Thr variant was not identified in the literature nor was it identified in ClinVar, Cosmic or LOVD 3.0. The variant was identified in dbSNP (ID: rs115705222) and in control databases in 768 of 280608 chromosomes (12 homozygous) at a frequency of 0.002737 increasing the likelihood this could be a low frequency benign variant (Genome Aggregation Database Feb 27, 2017). The variant was observed in the following populations: African in 707 of 24192 chromosomes (freq: 0.02922), Latino in 52 of 35370 chromosomes (freq: 0.00147), Other in 3 of 7132 chromosomes (freq: 0.000421) and European (non-Finnish) in 6 of 128422 chromosomes (freq: 0.000047), while the variant was not observed in the Ashkenazi Jewish, East Asian, European (Finnish), and South Asian populations. The p.Met3586 residue is conserved in mammals and computational analyses (PolyPhen-2, SIFT, AlignGVGD, BLOSUM, MutationTaster) provide inconsistent predictions regarding the impact to the protein; this information is not very predictive of pathogenicity. The variant occurs outside of the splicing consensus sequence and in silico or computational prediction software programs (SpliceSiteFinder, MaxEntScan, NNSPLICE, GeneSplicer) do not predict a difference in splicing. In summary, based on the above information the clinical significance of this variant cannot be determined with certainty at this time although we would lean towards a more benign role for this variant. This variant is classified as likely benign.